The following is an entry in ClinVar:

NC_000015.10:g.76211811_76230784del

Gene: ETFA (electron transfer flavoprotein subunit alpha; minus strand). Cytogenetic location: 15q24.2.
Variant type: Deletion.
Identifiers: ClinVar variation 3390921 (VCV003390921.2).

ClinVar aggregate classification (germline): Pathogenic (1 of 4 stars; one submission).

Conditions:
Glutaryl-CoA oxidase deficiency. Also called: GLUTARIC ACIDURIA III; GA III; Glutaric acidemia type 3. Identifiers: Orphanet 35706, MedGen C0342873, MONDO:0009283, OMIM 231690.

Submission:

Excellence Center for Genomics and Precision Medicine, King Chulalongkorn Memorial Hospital
Classification: Pathogenic for Glutaryl-CoA oxidase deficiency. Last evaluated: 2024-10-01. Review status: criteria provided, single submitter. Criteria: ACMG/ClinGen CNV Guidelines, 2019. Collection method: clinical testing. Allele origin: germline. Inheritance: Autosomal recessive inheritance. Affected: yes. Observed: 1 compound heterozygote.
Comment: Contains protein-coding or other known functionally important elements = 1A (0 points) Overlap with established HI/LOF-sensitive genes or genomic regions and it includes other exons in addition to the last exon. Nonsense-mediated decay is expected to occur = 2D-4 (0.9 points) Number of protein-coding RefSeq genes wholly or partially included in the CNV region is between 0-24 = 3A (0 points) Inheritance information is unavailable or uninformative. The patient phenotype is non-specific, but is consistent with what has been described in similar cases = 5G (0.1 points) Total 1.0 point